The following is an entry in ClinVar:

NM_001122772.3(AGAP2):c.387C>T (p.Pro129=)

Gene: AGAP2 (ArfGAP with GTPase domain, ankyrin repeat and PH domain 2; minus strand). Cytogenetic location: 12q14.1.
Variant type: single nucleotide variant.
Coding change: c.387C>T on transcript NM_001122772.3 (MANE Select); coding-DNA position 387, C replaced by T.
Protein change: p.Pro129=; no amino-acid change (proline 129 retained).
Molecular consequence: synonymous variant. On other transcripts: intron variant (1).
Genome position (GRCh38, 1-based): chr12:57,737,860, G>A on the plus strand (C>T on the coding strand, the complement: AGAP2 is on the minus strand). VCF-style: chr12-57737860-G-A. GRCh37 (hg19) VCF-style: chr12-58131643-G-A.
Other names: c.161-2433C>T (NM_014770.4).
Identifiers: ClinVar variation 3058368 (VCV003058368.2), dbSNP rs932350430, ClinGen allele CA237835266.

ClinVar aggregate classification (germline): Likely benign (0 of 4 stars; one submission).

Conditions:
AGAP2-related disorder. Also called: AGAP2-related condition.

Submission:

PreventionGenetics, part of Exact Sciences
Classification: Likely benign for AGAP2-related condition. Last evaluated: 2019-03-20. Review status: no assertion criteria provided. Collection method: clinical testing. Allele origin: germline.
Comment: This variant is classified as likely benign based on ACMG/AMP sequence variant interpretation guidelines (Richards et al. 2015 PMID: 25741868, with internal and published modifications).